The following is an entry in ClinVar:

ClinVar aggregate classification (germline): Uncertain significance (1 of 4 stars; one submission).

Conditions:
Deficiency of UDPglucose-hexose-1-phosphate uridylyltransferase. Also called: GALT deficiency; Galactosemia, classic; GALACTOSE-1-PHOSPHATE URIDYLYLTRANSFERASE DEFICIENCY; GALACTOSEMIA I; Transferase Deficiency Galactosemia. Identifiers: Orphanet 352, Orphanet 79239, MedGen C0268151, MONDO:0009258, OMIM 230400.

Allele frequency attached by ClinVar (database versions not stated): gnomAD exomes below 0.00001; gnomAD 0.00001; TOPMed 0.00001.
gnomAD v4.1: 8 of 1,614,036 alleles (0.0005%); highest among the groups gnomAD compares: South Asian, 0.0022%; no homozygotes.

Submission:

Labcorp Genetics (formerly Invitae), Labcorp
Classification: Uncertain significance for Deficiency of UDPglucose-hexose-1-phosphate uridylyltransferase. Last evaluated: 2021-09-24. Review status: criteria provided, single submitter. Criteria: Invitae Variant Classification Sherloc (09022015). Collection method: clinical testing. Allele origin: germline.
Comment: This sequence change replaces lysine with glutamic acid at codon 210 of the GALT protein (p.Lys210Glu). The lysine residue is weakly conserved and there is a small physicochemical difference between lysine and glutamic acid. This variant is not present in population databases (ExAC no frequency). This variant has not been reported in the literature in individuals with GALT-related conditions. Advanced modeling of protein sequence and biophysical properties (such as structural, functional, and spatial information, amino acid conservation, physicochemical variation, residue mobility, and thermodynamic stability) performed at Invitae indicates that this missense variant is not expected to disrupt GALT protein function. In summary, the available evidence is currently insufficient to determine the role of this variant in disease. Therefore, it has been classified as a Variant of Uncertain Significance.

NM_000155.4(GALT):c.628A>G (p.Lys210Glu)

Gene: GALT (galactose-1-phosphate uridylyltransferase; plus strand). Cytogenetic location: 9p13.3.
Variant type: single nucleotide variant.
Coding change: c.628A>G on transcript NM_000155.4 (MANE Select); coding-DNA position 628, A replaced by G.
Protein change: p.Lys210Glu; replaces lysine 210 with glutamic acid.
Molecular consequence: missense variant.
Genome position (GRCh38, 1-based): chr9:34,648,397, A>G. VCF-style: chr9-34648397-A-G. GRCh37 (hg19) VCF-style: chr9-34648394-A-G.
Other names: c.301A>G, p.Lys101Glu (NM_001258332.2); short protein forms K101E, K210E.
Identifiers: ClinVar variation 1418124 (VCV001418124.5), dbSNP rs896091797, ClinGen allele CA192670186.
Genomic context (GRCh38, chr9:34,648,397, plus strand): 5'-TGGGCCAGCAGTTTCCTGCCAGATATTGCCCAGCGTGAGGAGCGATCTCAGCAGGCCTAT[A>G]AGAGTCAGCATGGAGAGCCCCTGCTAATGGAGTACAGCCGCCAGGAGCTACTCAGGAAGG-3'
Protein context (NP_000146.2, residues 200-220): QREERSQQAY[Lys210Glu]SQHGEPLLME